The following is an entry in ClinVar:

ClinVar aggregate classification (germline): Uncertain significance (1 of 4 stars; one submission).

Conditions:
Hereditary cancer-predisposing syndrome. Also called: Neoplastic Syndromes, Hereditary; Tumor predisposition; Hereditary Cancer Syndrome; Hereditary neoplastic syndrome. Identifiers: Orphanet 140162, MedGen C0027672, MeSH D009386, MONDO:0015356.

Submission:

Ambry Genetics
Classification: Uncertain significance for Hereditary cancer-predisposing syndrome. Last evaluated: 2026-02-16. Review status: criteria provided, single submitter. Criteria: Ambry Variant Classification Scheme 2023. Collection method: clinical testing. Allele origin: germline.
Comment: The p.E1480D variant (also known as c.4440A>T), located in coding exon 34 of the POLE gene, results from an A to T substitution at nucleotide position 4440. The glutamic acid at codon 1480 is replaced by aspartic acid, an amino acid with highly similar properties. This amino acid position is conserved. In addition, this alteration is predicted to be tolerated by in silico analysis. Based on the available evidence, the clinical significance of this variant remains unclear.

NM_006231.4(POLE):c.4440A>T (p.Glu1480Asp)

Gene: POLE (DNA polymerase epsilon, catalytic subunit; minus strand). Cytogenetic location: 12q24.33.
Variant type: single nucleotide variant.
Coding change: c.4440A>T on transcript NM_006231.4 (MANE Select); coding-DNA position 4440, A replaced by T.
Protein change: p.Glu1480Asp; replaces glutamic acid 1480 with aspartic acid.
Molecular consequence: missense variant.
Genome position (GRCh38, 1-based): chr12:132,643,411, T>A on the plus strand (A>T on the coding strand, the complement: POLE is on the minus strand). VCF-style: chr12-132643411-T-A. GRCh37 (hg19) VCF-style: chr12-133219997-T-A.
Other names: short protein forms E1480D.
Identifiers: ClinVar variation 4841520 (VCV004841520.1).